The following is an entry in ClinVar:

NC_000013.10:g.(?_32889617)_(32903649_?)del

Gene: BRCA2 (BRCA2 DNA repair associated; plus strand). Cytogenetic location: 13q13.1.
Variant type: Deletion.
Identifiers: ClinVar variation 2422268 (VCV002422268.6).

ClinVar aggregate classification (germline): Pathogenic (1 of 4 stars; one submission).

Conditions:
Hereditary breast ovarian cancer syndrome. Also called: Hereditary breast and ovarian cancer syndrome; Hereditary breast and ovarian cancer; Hereditary breast and/or ovarian cancer syndrome; Hereditary breast and ovarian cancer syndrome (HBOC); Breast and ovarian cancer; BRCA1- and BRCA2-Associated Hereditary Breast and Ovarian Cancer. Identifiers: Orphanet 145, MedGen C0677776, MeSH D061325, MONDO:0003582. Disease mechanism: loss of function.

Submission:

Labcorp Genetics (formerly Invitae), Labcorp
Classification: Pathogenic for Hereditary breast ovarian cancer syndrome. Last evaluated: 2022-09-03. Review status: criteria provided, single submitter. Criteria: Invitae Variant Classification Sherloc (09022015). Collection method: clinical testing. Allele origin: germline.
Comment: For these reasons, this variant has been classified as Pathogenic. This variant has not been reported in the literature in individuals affected with BRCA2-related conditions. This variant is a gross deletion of the genomic region encompassing exon(s) 1-8 of the BRCA2 gene, which includes the initiator codon. This deletion extends beyond the assayed region for this gene and therefore may encompass additional genes. It is expected to result in an absent or disrupted protein product. Loss-of-function variants in BRCA2 are known to be pathogenic (PMID: 20104584).

Literature cited by the submitters: PubMed 20104584.